The following is an entry in ClinVar:

NM_005032.7(PLS3):c.1181A>G (p.Glu394Gly)

Gene: PLS3 (plastin 3; plus strand). Cytogenetic location: Xq23.
Variant type: single nucleotide variant.
Coding change: c.1181A>G on transcript NM_005032.7 (MANE Select); coding-DNA position 1181, A replaced by G.
Protein change: p.Glu394Gly; replaces glutamic acid 394 with glycine.
Molecular consequence: missense variant.
Genome position (GRCh38, 1-based): chrX:115,643,506, A>G. VCF-style: chrX-115643506-A-G. GRCh37 (hg19) VCF-style: chrX-114877818-A-G.
Other names: c.1181A>G, p.Glu394Gly (NM_001136025.5); c.1100A>G, p.Glu367Gly (NM_001172335.3); c.1142A>G, p.Glu381Gly (NM_001282337.2); c.1046A>G, p.Glu349Gly (NM_001282338.2); short protein forms E349G, E367G, E381G, E394G.
Identifiers: ClinVar variation 3898942 (VCV003898942.1).
Genomic context (GRCh38, chrX:115,643,506, plus strand): 5'-TTAATAAATACCCAGCACTAACTAAGCCAGAGAACCAGGATATTGACTGGACTCTATTAG[A>G]AGGTAACTAAAAACCTCAATTTCGAATGTGTGGGACTATAGAGTAGAAATACATAGGCCA-3'
Protein context (NP_005023.2, residues 384-404): ENQDIDWTLL[Glu394Gly]GETREERTFR

ClinVar aggregate classification (germline): Uncertain significance (1 of 4 stars; one submission).

Submission:

GeneDx
Classification: Uncertain significance. Last evaluated: 2024-11-07. Review status: criteria provided, single submitter. Criteria: GeneDx Variant Classification Process June 2021. Collection method: clinical testing. Allele origin: germline. Affected: yes.
Comment: Not observed at significant frequency in large population cohorts (gnomAD); In silico analysis supports that this missense variant has a deleterious effect on protein structure/function; Has not been previously published as pathogenic or benign to our knowledge